The following is an entry in ClinVar:

ClinVar aggregate classification (germline): Uncertain significance (1 of 4 stars; one submission).

gnomAD v4.1: 10 of 1,606,084 alleles (0.00062%); highest among the groups gnomAD compares: South Asian, 0.0066%; no homozygotes.

Submission:

Labcorp Genetics (formerly Invitae), Labcorp
Classification: Uncertain significance. Last evaluated: 2024-11-06. Review status: criteria provided, single submitter. Criteria: Invitae Variant Classification Sherloc (09022015). Collection method: clinical testing. Allele origin: germline.
Comment: This sequence change replaces asparagine, which is neutral and polar, with serine, which is neutral and polar, at codon 360 of the IL6ST protein (p.Asn360Ser). This variant is present in population databases (rs769896251, gnomAD 0.01%). This variant has not been reported in the literature in individuals affected with IL6ST-related conditions. ClinVar contains an entry for this variant (Variation ID: 2894640). An algorithm developed to predict the effect of missense changes on protein structure and function (PolyPhen-2) suggests that this variant is likely to be disruptive. In summary, the available evidence is currently insufficient to determine the role of this variant in disease. Therefore, it has been classified as a Variant of Uncertain Significance.

NM_002184.4(IL6ST):c.1079A>G (p.Asn360Ser)

Gene: IL6ST (interleukin 6 cytokine family signal transducer; minus strand). Cytogenetic location: 5q11.2.
Variant type: single nucleotide variant.
Coding change: c.1079A>G on transcript NM_002184.4 (MANE Select); coding-DNA position 1079, A replaced by G.
Protein change: p.Asn360Ser; replaces asparagine 360 with serine.
Molecular consequence: missense variant. On other transcripts: 3 prime UTR variant (1), non-coding transcript variant (2).
Genome position (GRCh38, 1-based): chr5:55,956,213, T>C on the plus strand (A>G on the coding strand, the complement: IL6ST is on the minus strand). VCF-style: chr5-55956213-T-C. GRCh37 (hg19) VCF-style: chr5-55252041-T-C.
Other names: c.1079A>G, p.Asn360Ser (NM_001190981.2, NM_001364275.2); c.869A>G, p.Asn290Ser (NM_001364276.2); c.212A>G, p.Asn71Ser (NM_001364277.2); c.176A>G, p.Asn59Ser (NM_001364278.2); c.83A>G, p.Asn28Ser (NM_001364279.2); c.*6A>G (NM_175767.3); short protein forms N71S, N290S, N360S, N28S, N59S.
Identifiers: ClinVar variation 2894640 (VCV002894640.3), dbSNP rs769896251, ClinGen allele CA3271502.